The following is an entry in ClinVar:

ClinVar aggregate classification (germline): Uncertain significance (1 of 4 stars; one submission).

Submission:

Labcorp Genetics (formerly Invitae), Labcorp
Classification: Uncertain significance. Last evaluated: 2022-05-04. Review status: criteria provided, single submitter. Criteria: Invitae Variant Classification Sherloc (09022015). Collection method: clinical testing. Allele origin: germline.
Comment: In summary, the available evidence is currently insufficient to determine the role of this variant in disease. Therefore, it has been classified as a Variant of Uncertain Significance. This variant has not been reported in the literature in individuals affected with VPS33A-related conditions. A gross deletion of the genomic region encompassing the full coding sequence of the VPS33A gene has been identified. The current clinical and genetic evidence is not sufficient to establish whether loss-of-function variants in VPS33A cause disease. The boundaries of this event are unknown as they extend beyond the assayed region for this gene and therefore may encompass additional genes.

NC_000012.11:g.(?_122277634)_(124242579_?)del

Genes: ABCB9 (ATP binding cassette subfamily B member 9; minus strand), ARL6IP4 (ARF like GTPase 6 interacting protein 4; plus strand), ATP6V0A2 (ATPase H+ transporting V0 subunit a2; plus strand), B3GNT4 (UDP-GlcNAc:betaGal beta-1,3-N-acetylglucosaminyltransferase 4; plus strand), BCL7A (BAF chromatin remodeling complex subunit BCL7A; plus strand) and 34 more. Cytogenetic location: 12q24.31.
Variant type: Deletion.
Identifiers: ClinVar variation 2426783 (VCV002426783.3).